The following continues an entry in ClinVar:

NM_000051.4(ATM):c.5763-1050A>G

ClinVar aggregate classification (germline): Pathogenic. Pathogenic (1).

Submissions 7 to 23 of 23:

Variantyx, Inc.
Classification: Pathogenic for Ataxia-telangiectasia syndrome. Last evaluated: 2025-05-21. Review status: criteria provided, single submitter. Criteria: Variantyx Assertion Criteria 2022. Collection method: clinical testing. Allele origin: germline. Inheritance: Autosomal recessive inheritance. Affected: no. Not counted in ClinVar's aggregate classification.
Comment: This is an intronic variant in the ATM gene (OMIM: 607585). Pathogenic variants in this gene have been associated with autosomal recessive ataxia-telangiectasia. This variant, also known as 5762ins137, has been reported in the homozygous or compound heterozygous state in multiple unrelated, affected individuals (PMID: 8755918, 9463314, 15174027, 20301790, 21792198, 26896183, 30549301) (PM3). Functional studies have shown that this variant alters splicing and results in at least partial loss of function, which is a known disease mechanism for ATM in this disorder (PMID: 8755918, 11382771) (PVS1). This variant has a 0.0088% maximum allele frequency in non-founder control populations ((PM2). Based on the current evidence, this variant is classified as pathogenic for autosomal recessive ataxia-telangiectasia.No other variant of clinical significance was identified in the ATM gene.

Natera, Inc.
Classification: Pathogenic for Ataxia-telangiectasia. Last evaluated: 2025-04-04. Review status: criteria provided, single submitter. Criteria: Natera Variant Classification Schema (03/2026). Collection method: clinical testing. Allele origin: germline. Not counted in ClinVar's aggregate classification.
Comment: The c.5763-1050A>G variant in ATM is an intronic variant located outside the canonical splice sites. This variant is rare in the general population with a frequency below the threshold expected for the associated phenotype(s). This variant has been observed in one or more individuals affected with the associated recessive disease, as either homozygous or compound heterozygous with a second variant (PMID: 8755918). Given the available evidence, this variant is classified as Pathogenic.

Blueprint Genetics
Classification: Pathogenic for ATM-related disorders. Last evaluated: 2024-11-27. Review status: criteria provided, single submitter. Criteria: ACMG Guidelines, 2015. Collection method: clinical testing. Allele origin: germline. Affected: yes. Observed: 5 variant alleles. Not counted in ClinVar's aggregate classification.

Revvity Omics, Revvity
Classification: Pathogenic for Ataxia-telangiectasia syndrome. Last evaluated: 2024-05-14. Review status: criteria provided, single submitter. Criteria: ACMG Guidelines, 2015. Collection method: clinical testing. Allele origin: germline. Not counted in ClinVar's aggregate classification.

Color Diagnostics, LLC DBA Color Health
Classification: Pathogenic for Hereditary cancer-predisposing syndrome. Last evaluated: 2024-05-13. Review status: criteria provided, single submitter. Criteria: ACMG Guidelines, 2015. Collection method: clinical testing. Allele origin: germline. Not counted in ClinVar's aggregate classification.
Comment: This variant causes an A to G nucleotide substitution at the -1050 position of intron 38 of the ATM gene. This variant is also known as IVS40-1050A>G, IVS40+1126A>G, IVS40ins137 and 5762ins137 in the literature. RNA studies have shown that this variant activates a cryptic splice donor site that results in the insertion of 137 nucleotides from the intronic sequence into the transcript (= 5762ins137), leading to a frameshift and premature protein truncation (PMID: 8755819; ClinVar SCV000581456.4). This variant is known to be a leaky splice mutation, allowing for the low-level expression of the full-length transcript and normal ATM protein (PMID: 8755819, 10234507, 15174027, 25040471). This variant has been reported in over forty homozygous and compound heterozygous individuals affected with mild, variant form of ataxia-telangiectasia (PMID: 8755918, 10234507, 10330348, 15174027, 21792198, 28008555, 30549301), consistent with the low-level expression of normal ATM protein from the mutant allele that carries this variant. This variant has been observed in multiple individuals affected with breast cancer, pancreatic cancer and melanoma (PMID: 19781682, 28008555, 32255556; Color internal data). This variant has been identified in 5/158620 chromosomes in the general population by the Genome Aggregation Database (gnomAD). Loss of ATM function is a known mechanism of disease. Based on the available evidence, this variant is classified as Pathogenic.

ARUP Laboratories, Molecular Genetics and Genomics, ARUP Laboratories
Classification: Pathogenic. Last evaluated: 2024-04-23. Review status: criteria provided, single submitter. Criteria: ARUP Molecular Germline Variant Investigation Process 2024. Collection method: clinical testing. Allele origin: germline. Not counted in ClinVar's aggregate classification.
Comment: The ATM c.5763-1050A>G variant (rs774925473, ClinVar variation ID: 3021) also known as 5762ins137, the 4-1-8 insertion, p.Pro1922fs, is reported in the literature in numerous compound heterozygous and homozygous individuals affected with ataxia telangiectasia (A-T; selected references: Jackson 2016, McConville 1996, Schon 2019). This variant has been found in 15% of A-T families in the U.K. population, suggesting a founder variant (Stewart 2001). This variant has also been reported in breast and pancreatic cancer (Cremin 2020, Tavtigian 2009). This variant creates a cryptic donor site that results in an insertion of 137 nucleotides between exon 37 and 38 leading to a frameshift (McConville 1996). Additionally, in vitro functional analyses demonstrate a variable level of protein expression in compound heterozygous patients, suggestive of a leaky splice site (Steward 2001). This variant is found in the non-Finnish European population with an allele frequency of 0.008% (5/62558 alleles) in the Genome Aggregation Database (v2.1.1). Based on available information, this variant is considered to be pathogenic. References: Cremin C et al. Burden of hereditary cancer susceptibility in unselected patients with pancreatic ductal adenocarcinoma referred for germline screening. Cancer Med. 2020 Jun;9(11):4004-4013. PMID: 32255556. Jackson TJ et al. Longitudinal analysis of the neurological features of ataxia-telangiectasia. Dev Med Child Neurol. 2016 Jul;58(7):690-7. PMID: 26896183. McConville CM et al. Mutations associated with variant phenotypes in ataxia-telangiectasia. Am J Hum Genet. 1996 Aug;59(2):320-30. PMID: 8755918. Schon K et al. Genotype, extrapyramidal features, and severity of variant ataxia-telangiectasia. Ann Neurol. 2019 Feb;85(2):170-180. PMID: 30549301. Stewart GS et al. Residual ataxia telangiectasia mutated protein function in cells from ataxia telangiectasia patients, with 5762ins137 and 7271T-->G mutations, showing a less severe phenotype. J Biol Chem. 2001 Aug 10;276(32):30133-41. PMID: 11382771. Tavtigian SV et al. Rare, evolutionarily unlikely missense substitutions in ATM confer increased risk of breast cancer. Am J Hum Genet. 2009 Oct;85(4):427-46. PMID: 19781682.

Baylor Genetics
Classification: Pathogenic for Familial cancer of breast. Last evaluated: 2024-03-22. Review status: criteria provided, single submitter. Criteria: ACMG Guidelines, 2015. Collection method: clinical testing. Allele origin: unknown. Not counted in ClinVar's aggregate classification.

Myriad Genetics, Inc.
Classification: Pathogenic for Familial cancer of breast. Last evaluated: 2024-01-25. Review status: criteria provided, single submitter. Criteria: Myriad Autosomal Dominant, Autosomal Recessive and X-Linked Classification Criteria (2023). Collection method: clinical testing. Allele origin: unknown. Not counted in ClinVar's aggregate classification.
Comment: This variant is considered pathogenic. Functional studies indicate this variant impacts protein function [PMID: 8755918, 11382771]. This variant has been reported in multiple individuals with clinical features of gene-specific disease [PMID: 21792198, 8755918, 11382771, 26896183, 30549301].

Fulgent Genetics
Classification: Pathogenic for Familial cancer of breast; Ataxia-telangiectasia syndrome. Last evaluated: 2024-01-19. Review status: criteria provided, single submitter. Criteria: ACMG Guidelines, 2015. Collection method: clinical testing. Allele origin: germline. Not counted in ClinVar's aggregate classification.

CHEO Genetics Diagnostic Laboratory, Children's Hospital of Eastern Ontario
Classification: Likely pathogenic for Breast and/or ovarian cancer. Last evaluated: 2023-01-27. Review status: criteria provided, single submitter. Criteria: ACMG Guidelines, 2015. Collection method: clinical testing. Allele origin: germline. Not counted in ClinVar's aggregate classification.

Women's Health and Genetics/Laboratory Corporation of America, LabCorp
Classification: Pathogenic for Ataxia-telangiectasia syndrome. Last evaluated: 2023-01-16. Review status: criteria provided, single submitter. Criteria: LabCorp Variant Classification Summary - May 2015. Collection method: clinical testing. Allele origin: germline. Not counted in ClinVar's aggregate classification.
Comment: Variant summary: ATM c.5763-1050A>G is located at a deep intronic position with several computational tools predict a significant impact on normal splicing: Two predict the variant strengthens a cryptic 5' splicing donor site. At least one publication reports experimental evidence that this variant affects mRNA splicing resulting in the inclusion of 137 base pairs of intronic sequence that is predicted to introduce a premature stop codon leading to a truncated protein (McConville_1996). The variant allele was found at a frequency of 2.4e-05 in 127224 control chromosomes. c.5763-1050A>G has been widely reported in the literature as a biallelic genotype in multiple individuals affected with milder features of Ataxia-Telangiectasia (example, Sutton_2004, McConville_1996). These data indicate that the variant is very likely to be associated with disease. Nine clinical diagnostic laboratories have submitted clinical-significance assessments for this variant to ClinVar after 2014 without evidence for independent evaluation. All laboratories classified the variant as pathogenic/likely pathogenic. Based on the evidence outlined above, the variant was classified as pathogenic.

GeneDx
Classification: Pathogenic. Last evaluated: 2022-11-01. Review status: criteria provided, single submitter. Criteria: GeneDx Variant Classification Process June 2021. Collection method: clinical testing. Allele origin: germline. Affected: yes. Not counted in ClinVar's aggregate classification.
Comment: Non-canonical splice site variant demonstrated to result in two transcripts, one with a 137 nucleotide insertion which results in a frameshift, as well as some normal transcript (McConville et al., 1996; Teraoka et al., 1999); Published functional studies demonstrate a damaging effect: cells from individuals carrying this variant have been shown to have reduced ATM protein levels and ATM kinase activity compared to wildtype (Izatt et al., 1999; Stewart et al., 2001; Sutton et al., 2004; Reiman et al., 2011; Taylor et al., 2015); Not observed at significant frequency in large population cohorts (gnomAD); In silico analysis suggests this variant may impact gene splicing. In the absence of RNA/functional studies, the actual effect of this sequence change is unknown.; This variant is associated with the following publications: (PMID: 9463314, 23143971, 19823873, 17586848, 25040471, 21459046, 32623769, 19535770, 11382771, 15174027, 20301790, 8755918, 10234507, 10330348, 28008555, 15928302, 12082606, 30549301, 26896183, 32255556, 21792198)

Department of Pathology and Laboratory Medicine, Sinai Health System
Classification: Pathogenic for Familial colorectal cancer type X. Last evaluated: 2022-02-07. Review status: criteria provided, single submitter. Criteria: ACMG Guidelines, 2015. Collection method: clinical testing. Allele origin: germline. Affected: yes. Not counted in ClinVar's aggregate classification.

Eurofins Ntd Llc (ga)
Classification: Pathogenic. Last evaluated: 2016-12-12. Review status: criteria provided, single submitter. Criteria: EGL Classification Definitions 2015. Collection method: clinical testing. Allele origin: germline. Observed: 1 variant allele, 1 heterozygote. Not counted in ClinVar's aggregate classification.

Counsyl
Classification: Pathogenic for Ataxia-telangiectasia syndrome. Last evaluated: 2016-01-05. Review status: no assertion criteria provided. Collection method: clinical testing. Allele origin: unknown. Not counted in ClinVar's aggregate classification.

OMIM
Classification: Pathogenic for ATAXIA-TELANGIECTASIA VARIANT. Last evaluated: 2004-06-01. Review status: no assertion criteria provided. Collection method: literature only. Allele origin: germline. Not counted in ClinVar's aggregate classification.

GeneReviews
No classification provided. Condition: Ataxia-telangiectasia syndrome. Review status: no classification provided. Collection method: literature only. Allele origin: germline. Affected: yes. Not counted in ClinVar's aggregate classification.
Comment: Activates a cryptic splice site resulting in a 137-bp insertion and an unstable protein.

Literature cited by the submitters: PubMed 8755918 (cited by 10 submitters); PubMed 8808599 (cited by Labcorp Genetics (formerly Invitae), Labcorp and Variantyx, Inc.); PubMed 10330348 (cited by 3 submitters); PubMed 21792198 (cited by 5 submitters); PubMed 28008555 (cited by Ambry Genetics and Color Diagnostics, LLC DBA Color Health); PubMed 11382771 (cited by 3 submitters); PubMed 9463314 (cited by 3 submitters); PubMed 15174027 (cited by 7 submitters); PubMed 26896183 (cited by Variantyx, Inc. and Myriad Genetics, Inc.); PubMed 30549301 (cited by 3 submitters); PubMed 8755819 (cited by Color Diagnostics, LLC DBA Color Health); PubMed 10234507 (cited by Color Diagnostics, LLC DBA Color Health and Department of Pathology and Laboratory Medicine, Sinai Health System); PubMed 19781682 (cited by Color Diagnostics, LLC DBA Color Health); PubMed 25040471 (cited by Color Diagnostics, LLC DBA Color Health); PubMed 32255556 (cited by Color Diagnostics, LLC DBA Color Health); PubMed 19823873 (cited by Women's Health and Genetics/Laboratory Corporation of America, LabCorp); NCBI Bookshelf NBK26468 (cited by GeneReviews).